The following is an entry in ClinVar:

NM_000535.7(PMS2):c.354-16T>C

Gene: PMS2 (PMS1 homolog 2, mismatch repair system component; minus strand). Cytogenetic location: 7p22.1.
Variant type: single nucleotide variant.
Coding change: c.354-16T>C on transcript NM_000535.7 (MANE Select); 16 bases into the intron before coding-DNA position 354, T replaced by C.
Molecular consequence: intron variant. On other transcripts: missense variant (9).
Genome position (GRCh38, 1-based): chr7:6,002,652, A>G on the plus strand (T>C on the coding strand, the complement: PMS2 is on the minus strand). VCF-style: chr7-6002652-A-G. GRCh37 (hg19) VCF-style: chr7-6042283-A-G.
Other names: c.29T>C, p.Leu10Pro (NM_001406879.1, NM_001406880.1, NM_001406881.1 and 6 more transcripts); c.36-16T>C (NM_001322008.2, NM_001406902.1, NM_001406883.1 and 4 more transcripts); c.-52-16T>C (NM_001406895.1, NM_001406911.1, NM_001322010.2 and 24 more transcripts); c.-531-16T>C (NM_001322012.2, NM_001322011.2); c.250+1320T>C (NM_001406885.1); c.354-16T>C (NM_001406886.1, NM_001406884.1, NM_001406874.1 and 8 more transcripts); c.378-16T>C (NM_001406868.1); c.540-16T>C (NM_001406866.1); short protein forms L10P.
Identifiers: ClinVar variation 3610042 (VCV003610042.3).

ClinVar aggregate classification (germline): Likely benign. Review status: criteria provided, multiple submitters, no conflicts (2 of 4 stars). 2 submissions from 2 submitters: Likely benign (2). Last evaluated 2025-01-24.

Conditions:
Hereditary nonpolyposis colorectal neoplasms. Identifiers: MedGen C0009405, MeSH D003123.
Lynch syndrome 4 (LYNCH4). Also called: Hereditary non-polyposis colorectal cancer, type 4; Colorectal cancer, hereditary nonpolyposis, type 4. Identifiers: Orphanet 144, MedGen C1838333, MONDO:0013699, OMIM 614337. Disease mechanism: loss of function.

Submissions (2):

Myriad Genetics, Inc.
Classification: Likely benign for Lynch syndrome 4. Last evaluated: 2025-01-24. Review status: criteria provided, single submitter. Criteria: Myriad Autosomal Dominant, Autosomal Recessive and X-Linked Classification Criteria (2023). Collection method: clinical testing. Allele origin: unknown.
Comment: This variant is considered likely benign. This variant is intronic and is not expected to impact mRNA splicing.

Labcorp Genetics (formerly Invitae), Labcorp
Classification: Likely benign for Hereditary nonpolyposis colorectal neoplasms. Last evaluated: 2024-08-31. Review status: criteria provided, single submitter. Criteria: Invitae Variant Classification Sherloc (09022015). Collection method: clinical testing. Allele origin: germline.